The following is an entry in ClinVar:

NM_052867.4(NALCN):c.359T>C (p.Val120Ala)

Gene: NALCN (sodium leak channel, non-selective; minus strand). Cytogenetic location: 13q33.1.
Variant type: single nucleotide variant.
Coding change: c.359T>C on transcript NM_052867.4 (MANE Select); coding-DNA position 359, T replaced by C.
Protein change: p.Val120Ala; replaces valine 120 with alanine.
Molecular consequence: missense variant.
Genome position (GRCh38, 1-based): chr13:101,378,586, A>G on the plus strand (T>C on the coding strand, the complement: NALCN is on the minus strand). VCF-style: chr13-101378586-A-G. GRCh37 (hg19) VCF-style: chr13-102030937-A-G.
Other names: c.359T>C, p.Val120Ala (NM_001350748.2, NM_001350749.2, NM_001350750.2 and 1 more transcripts); short protein forms V120A.
Identifiers: ClinVar variation 1217559 (VCV001217559.6), dbSNP rs200191453, ClinGen allele CA256080813.

ClinVar aggregate classification (germline): Uncertain significance. Review status: criteria provided, multiple submitters, no conflicts (2 of 4 stars). 3 submissions from 3 submitters: Uncertain significance (3). Last evaluated 2025-10-03.

Conditions:
Inborn genetic diseases. Identifiers: MedGen C0950123, MeSH D030342.

Allele frequency attached by ClinVar (database versions not stated): gnomAD 0.00003.
gnomAD v4.1: 25 of 1,607,480 alleles (0.0016%); highest among the groups gnomAD compares: Non-Finnish European, 0.0018%; no homozygotes.

Submissions (3):

Labcorp Genetics (formerly Invitae), Labcorp
Classification: Uncertain significance. Last evaluated: 2025-10-03. Review status: criteria provided, single submitter. Criteria: Invitae Variant Classification Sherloc (09022015). Collection method: clinical testing. Allele origin: germline.
Comment: This sequence change replaces valine, which is neutral and non-polar, with alanine, which is neutral and non-polar, at codon 120 of the NALCN protein (p.Val120Ala). This variant is present in population databases (rs200191453, gnomAD 0.0009%). This variant has not been reported in the literature in individuals affected with NALCN-related conditions. ClinVar contains an entry for this variant (Variation ID: 1217559). Invitae Evidence Modeling of protein sequence and biophysical properties (such as structural, functional, and spatial information, amino acid conservation, physicochemical variation, residue mobility, and thermodynamic stability) indicates that this missense variant is not expected to disrupt NALCN protein function with a negative predictive value of 80%. In summary, the available evidence is currently insufficient to determine the role of this variant in disease. Therefore, it has been classified as a Variant of Uncertain Significance.

Ambry Genetics
Classification: Uncertain significance for Inborn genetic diseases. Last evaluated: 2025-04-01. Review status: criteria provided, single submitter. Criteria: Ambry Variant Classification Scheme 2023. Collection method: clinical testing. Allele origin: germline.

GeneDx
Classification: Uncertain significance. Last evaluated: 2022-11-16. Review status: criteria provided, single submitter. Criteria: GeneDx Variant Classification Process June 2021. Collection method: clinical testing. Allele origin: germline. Affected: yes.
Comment: In silico analysis supports that this missense variant does not alter protein structure/function; Has not been previously published as pathogenic or benign to our knowledge